The following is an entry in ClinVar:

ClinVar aggregate classification (germline): Uncertain significance (1 of 4 stars; one submission).

gnomAD v4.1: 12 of 1,606,416 alleles (0.00075%); highest among the groups gnomAD compares: Admixed American, 0.0017%; no homozygotes.

Submission:

Labcorp Genetics (formerly Invitae), Labcorp
Classification: Uncertain significance. Last evaluated: 2024-04-14. Review status: criteria provided, single submitter. Criteria: Invitae Variant Classification Sherloc (09022015). Collection method: clinical testing. Allele origin: germline.
Comment: This sequence change affects a donor splice site in intron 8 of the TNFRSF9 gene. While this variant is not anticipated to result in nonsense mediated decay, it likely alters RNA splicing and results in a disrupted protein product. This variant is not present in population databases (gnomAD no frequency). This variant has not been reported in the literature in individuals affected with TNFRSF9-related conditions. Variants that disrupt the consensus splice site are a relatively common cause of aberrant splicing (PMID: 17576681, 9536098). Algorithms developed to predict the effect of sequence changes on RNA splicing suggest that this variant may disrupt the consensus splice site. In summary, the available evidence is currently insufficient to determine the role of this variant in disease. Therefore, it has been classified as a Variant of Uncertain Significance.

Literature cited by the submitters: PubMed 17576681; PubMed 9536098.

NM_001561.6(TNFRSF9):c.679+1G>A

Gene: TNFRSF9 (TNF receptor superfamily member 9; minus strand). Cytogenetic location: 1p36.23.
Variant type: single nucleotide variant.
Coding change: c.679+1G>A on transcript NM_001561.6 (MANE Select); the canonical splice donor site of the intron after coding-DNA position 679, G replaced by A.
Molecular consequence: splice donor variant.
Genome position (GRCh38, 1-based): chr1:7,933,161, C>T on the plus strand (G>A on the coding strand, the complement: TNFRSF9 is on the minus strand). VCF-style: chr1-7933161-C-T. GRCh37 (hg19) VCF-style: chr1-7993221-C-T.
Identifiers: ClinVar variation 3608721 (VCV003608721.1).